The following is an entry in ClinVar:

NM_203447.4(DOCK8):c.5580+4T>C

Gene: DOCK8 (dedicator of cytokinesis 8; plus strand). Cytogenetic location: 9p24.3.
Variant type: single nucleotide variant.
Coding change: c.5580+4T>C on transcript NM_203447.4 (MANE Select); 4 bases into the intron after coding-DNA position 5580, T replaced by C.
Molecular consequence: intron variant.
Genome position (GRCh38, 1-based): chr9:443,520, T>C. VCF-style: chr9-443520-T-C. GRCh37 (hg19) VCF-style: chr9-443520-T-C.
Other names: c.5376+4T>C (NM_001193536.2); c.5280+4T>C (NM_001190458.2).
Identifiers: ClinVar variation 1420660 (VCV001420660.6), dbSNP rs2131823883, ClinGen allele CA2573144436.

ClinVar aggregate classification (germline): Uncertain significance (1 of 4 stars; one submission).

Conditions:
Combined immunodeficiency due to DOCK8 deficiency (HIES2). Also called: Hyper-IgE recurrent infection syndrome, autosomal recessive; DOCK8 Deficiency; HYPER-IgE RECURRENT INFECTION SYNDROME 2, AUTOSOMAL RECESSIVE; HIES autosomal recessive; HYPER-IgE SYNDROME 2, AUTOSOMAL RECESSIVE, WITH RECURRENT INFECTIONS. Identifiers: Orphanet 217390, MedGen C4722305, MONDO:0009478, OMIM 243700.

Submission:

Labcorp Genetics (formerly Invitae), Labcorp
Classification: Uncertain significance for Combined immunodeficiency due to DOCK8 deficiency. Last evaluated: 2022-07-18. Review status: criteria provided, single submitter. Criteria: Invitae Variant Classification Sherloc (09022015). Collection method: clinical testing. Allele origin: germline.
Comment: In summary, the available evidence is currently insufficient to determine the role of this variant in disease. Therefore, it has been classified as a Variant of Uncertain Significance. Variants that disrupt the consensus splice site are a relatively common cause of aberrant splicing (PMID: 17576681, 9536098). Algorithms developed to predict the effect of sequence changes on RNA splicing suggest that this variant is not likely to affect RNA splicing. ClinVar contains an entry for this variant (Variation ID: 1420660). This variant has not been reported in the literature in individuals affected with DOCK8-related conditions. This variant is not present in population databases (gnomAD no frequency). This sequence change falls in intron 43 of the DOCK8 gene. It does not directly change the encoded amino acid sequence of the DOCK8 protein. It affects a nucleotide within the consensus splice site.

Literature cited by the submitters: PubMed 17576681; PubMed 9536098.